The following is an entry in ClinVar:

ClinVar aggregate classification (germline): Conflicting classifications of pathogenicity. Review status: criteria provided, conflicting classifications (1 of 4 stars). 5 submissions from 5 submitters: Uncertain significance (4); Benign (1). Last evaluated 2026-06-03.

Conditions:
Hereditary cancer-predisposing syndrome. Also called: Neoplastic Syndromes, Hereditary; Tumor predisposition; Hereditary neoplastic syndrome; Hereditary Cancer Syndrome. Identifiers: Orphanet 140162, MedGen C0027672, MeSH D009386, MONDO:0015356.
Hereditary diffuse gastric adenocarcinoma (HDGC). Also called: DIFFUSE GASTRIC AND LOBULAR BREAST CANCER SYNDROME. Identifiers: Orphanet 26106, MedGen C1708349, MONDO:0007648, OMIM 137215.
Familial cancer of breast. Also called: BREAST CANCER, FAMILIAL; hereditary breast carcinoma; Hereditary breast cancer. Identifiers: Orphanet 227535, MedGen C0346153, MONDO:0016419, OMIM 114480. Disease mechanism: loss of function.

Allele frequency attached by ClinVar (database versions not stated): gnomAD exomes 0.00001.
gnomAD v4.1: 9 of 1,613,816 alleles (0.00056%); highest among the groups gnomAD compares: Non-Finnish European, 0.00076%; no homozygotes.

Submissions (5):

Ambry Genetics
Classification: Benign for Hereditary cancer-predisposing syndrome. Last evaluated: 2026-06-03. Review status: criteria provided, single submitter. Criteria: Ambry Variant Classification Scheme 2023. Collection method: clinical testing. Allele origin: germline.

Labcorp Genetics (formerly Invitae), Labcorp
Classification: Uncertain significance for Hereditary diffuse gastric adenocarcinoma. Last evaluated: 2025-07-27. Review status: criteria provided, single submitter. Criteria: Invitae Variant Classification Sherloc (09022015). Collection method: clinical testing. Allele origin: germline.
Comment: This sequence change replaces glutamine, which is neutral and polar, with arginine, which is basic and polar, at codon 706 of the CDH1 protein (p.Gln706Arg). This variant is not present in population databases (gnomAD no frequency). This variant has not been reported in the literature in individuals affected with CDH1-related conditions. ClinVar contains an entry for this variant (Variation ID: 140964). An algorithm developed to predict the effect of missense changes on protein structure and function (PolyPhen-2) suggests that this variant is likely to be tolerated. In summary, the available evidence is currently insufficient to determine the role of this variant in disease. Therefore, it has been classified as a Variant of Uncertain Significance.

Quest Diagnostics Nichols Institute San Juan Capistrano
Classification: Uncertain significance. Last evaluated: 2024-11-22. Review status: criteria provided, single submitter. Criteria: Quest Diagnostics criteria. Collection method: clinical testing. Allele origin: unknown.
Comment: The CDH1 c.2117A>G (p.Gln706Arg) variant has been reported in individuals affected with breast cancer as well as in reportedly heathy individuals (PMID: 33471991 (2021), see also LOVD). This variant has not been reported in large, multi-ethnic general populations (Genome Aggregation Database). Analysis of this variant using bioinformatics tools for the prediction of the effect of amino acid changes on protein structure and function yielded predictions that this variant is benign. Based on the available information, we are unable to determine the clinical significance of this variant.

Color Diagnostics, LLC DBA Color Health
Classification: Uncertain significance for Hereditary cancer-predisposing syndrome. Last evaluated: 2024-03-07. Review status: criteria provided, single submitter. Criteria: ACMG Guidelines, 2015. Collection method: clinical testing. Allele origin: germline.
Comment: This missense variant replaces glutamine with arginine at codon 706 of the CDH1 protein. To our knowledge, functional studies have not been reported for this variant. This variant has not been reported in individuals affected with CDH1-related disorders in the literature. This variant has not been identified in the general population by the Genome Aggregation Database (gnomAD). The available evidence is insufficient to determine the role of this variant in disease conclusively. Therefore, this variant is classified as a Variant of Uncertain Significance.

Baylor Genetics
Classification: Uncertain significance for Familial cancer of breast. Last evaluated: 2023-12-18. Review status: criteria provided, single submitter. Criteria: ACMG Guidelines, 2015. Collection method: clinical testing. Allele origin: unknown.

Literature cited by the submitters: PubMed 33471991 (cited by Quest Diagnostics Nichols Institute San Juan Capistrano).

NM_004360.5(CDH1):c.2117A>G (p.Gln706Arg)

Gene: CDH1 (cadherin 1; plus strand). Cytogenetic location: 16q22.1.
Variant type: single nucleotide variant.
Coding change: c.2117A>G on transcript NM_004360.5 (MANE Select); coding-DNA position 2117, A replaced by G.
Protein change: p.Gln706Arg; replaces glutamine 706 with arginine.
Molecular consequence: missense variant.
Genome position (GRCh38, 1-based): chr16:68,823,579, A>G. VCF-style: chr16-68823579-A-G. GRCh37 (hg19) VCF-style: chr16-68857482-A-G.
Other names: c.1934A>G, p.Gln645Arg (NM_001317184.2); c.569A>G, p.Gln190Arg (NM_001317185.2); c.152A>G, p.Gln51Arg (NM_001317186.2); c.2117A>G (LRG_301t1); short protein forms Q706R, Q51R, Q645R, Q190R.
Identifiers: ClinVar variation 140964 (VCV000140964.20), dbSNP rs587781401, ClinGen allele CA164055.